The following is an entry in ClinVar:

NM_013261.5(PPARGC1A):c.1696C>T (p.Arg566Cys)

Gene: PPARGC1A (PPARG coactivator 1 alpha; minus strand). Cytogenetic location: 4p15.2.
Variant type: single nucleotide variant.
Coding change: c.1696C>T on transcript NM_013261.5 (MANE Select); coding-DNA position 1696, C replaced by T.
Protein change: p.Arg566Cys; replaces arginine 566 with cysteine.
Molecular consequence: missense variant. On other transcripts: non-coding transcript variant (7).
Genome position (GRCh38, 1-based): chr4:23,813,787, G>A on the plus strand (C>T on the coding strand, the complement: PPARGC1A is on the minus strand). VCF-style: chr4-23813787-G-A. GRCh37 (hg19) VCF-style: chr4-23815410-G-A.
Other names: c.1711C>T, p.Arg571Cys (NM_001330751.2, NM_001354825.2, NM_001354827.2); c.1660C>T, p.Arg554Cys (NM_001330752.2); c.1315C>T, p.Arg439Cys (NM_001330753.2, NM_001354826.2); short protein forms R439C, R554C, R566C, R571C.
Identifiers: ClinVar variation 778140 (VCV000778140.17), dbSNP rs58772979, ClinGen allele CA2875218.
Genomic context (GRCh38, chr4:23,813,787, plus strand): 5'-ACCTGGAATATGGTGATCGGGAACACGACCTGTGTCGAGAAAAGGACCTTGAACGAGAGC[G>A]CATCCTTTGGGGTCTTTGAGAAAATAAGGATTTGGGTGGTGACACAGAATCTCTACATGG-3'
Protein context (NP_037393.1, residues 556-576): SLFSQRPQRM[Arg566Cys]SRSRSFSRHR

ClinVar aggregate classification (germline): Benign. Review status: criteria provided, multiple submitters, no conflicts (2 of 4 stars). 3 submissions from 3 submitters: Benign (3). Last evaluated 2024-09-01.

Allele frequency attached by ClinVar (database versions not stated): gnomAD exomes 0.00106 and 0.00240; ExAC 0.00261; ESP Exome Variant Server 0.00738; gnomAD 0.00761 and 0.00793; TOPMed 0.00912; 1000 Genomes Project 0.01078; 1000 Genomes Project 30x 0.01218.
gnomAD v4.1: 2,810 of 1,612,860 alleles (0.17%); highest among the groups gnomAD compares: African/African-American, 2.5%; 34 homozygotes.

Submissions (3):

CeGaT Center for Human Genetics Tuebingen
Classification: Benign. Last evaluated: 2024-09-01. Review status: criteria provided, single submitter. Criteria: CeGaT Center For Human Genetics Tuebingen Variant Classification Criteria Version 2. Collection method: clinical testing. Allele origin: germline. Affected: yes. Observed: 1 variant allele.
Comment: PPARGC1A: BP4, BS1, BS2

Labcorp Genetics (formerly Invitae), Labcorp
Classification: Benign. Last evaluated: 2018-07-05. Review status: criteria provided, single submitter. Criteria: Invitae Variant Classification Sherloc (09022015). Collection method: clinical testing. Allele origin: germline.

Breakthrough Genomics
Classification: Benign. Review status: criteria provided, single submitter. Criteria: ACMG Guidelines, 2015. Collection method: not provided. Allele origin: germline. Inheritance: Unknown mechanism. Affected: yes.